The following is an entry in ClinVar:

ClinVar aggregate classification (germline): Uncertain significance (1 of 4 stars; one submission).

gnomAD v4.1: 7 of 1,614,014 alleles (0.00043%); highest among the groups gnomAD compares: Middle Eastern, 0.017%; no homozygotes.

Submission:

GeneDx
Classification: Uncertain significance. Last evaluated: 2025-05-14. Review status: criteria provided, single submitter. Criteria: GeneDx Variant Classification Process June 2021. Collection method: clinical testing. Allele origin: germline. Affected: yes.
Comment: Not observed at significant frequency in large population cohorts (gnomAD); In silico analysis suggests that this missense variant does not alter protein structure/function; Has not been previously published as pathogenic or benign to our knowledge

NM_015354.3(NUP188):c.4550G>A (p.Arg1517Gln)

Gene: NUP188 (nucleoporin 188; plus strand). Cytogenetic location: 9q34.11.
Variant type: single nucleotide variant.
Coding change: c.4550G>A on transcript NM_015354.3 (MANE Select); coding-DNA position 4550, G replaced by A.
Protein change: p.Arg1517Gln; replaces arginine 1517 with glutamine.
Molecular consequence: missense variant.
Genome position (GRCh38, 1-based): chr9:129,005,343, G>A. VCF-style: chr9-129005343-G-A. GRCh37 (hg19) VCF-style: chr9-131767622-G-A.
Other names: short protein forms R1517Q.
Identifiers: ClinVar variation 2574790 (VCV002574790.2), dbSNP rs1232320353, ClinGen allele CA375125327.